The following is an entry in ClinVar:

ClinVar aggregate classification (germline): Uncertain significance. Review status: criteria provided, multiple submitters, no conflicts (2 of 4 stars). 2 submissions from 2 submitters: Uncertain significance (2). Last evaluated 2024-08-10.

Conditions:
Inborn genetic diseases. Identifiers: MedGen C0950123, MeSH D030342.

Allele frequency attached by ClinVar (database versions not stated): gnomAD exomes below 0.00001; gnomAD 0.00001; TOPMed 0.00001.
gnomAD v4.1: 9 of 1,613,912 alleles (0.00056%); highest among the groups gnomAD compares: African/African-American, 0.008%; no homozygotes.

Submissions (2):

Ambry Genetics
Classification: Uncertain significance for Inborn genetic diseases. Last evaluated: 2024-08-10. Review status: criteria provided, single submitter. Criteria: Ambry Variant Classification Scheme 2023. Collection method: clinical testing. Allele origin: germline.

Labcorp Genetics (formerly Invitae), Labcorp
Classification: Uncertain significance. Last evaluated: 2023-05-23. Review status: criteria provided, single submitter. Criteria: Invitae Variant Classification Sherloc (09022015). Collection method: clinical testing. Allele origin: germline.
Comment: ClinVar contains an entry for this variant (Variation ID: 1933708). This variant has not been reported in the literature in individuals affected with COL4A2-related conditions. This variant is not present in population databases (gnomAD no frequency). This sequence change replaces glycine, which is neutral and non-polar, with aspartic acid, which is acidic and polar, at codon 488 of the COL4A2 protein (p.Gly488Asp). Advanced modeling of protein sequence and biophysical properties (such as structural, functional, and spatial information, amino acid conservation, physicochemical variation, residue mobility, and thermodynamic stability) performed at Invitae indicates that this missense variant is not expected to disrupt COL4A2 protein function. In summary, the available evidence is currently insufficient to determine the role of this variant in disease. Therefore, it has been classified as a Variant of Uncertain Significance.

NM_001846.4(COL4A2):c.1463G>A (p.Gly488Asp)

Genes: COL4A2 (collagen type IV alpha 2 chain; plus strand), COL4A2-AS2 (COL4A2 antisense RNA 2; minus strand). Cytogenetic location: 13q34.
Variant type: single nucleotide variant.
Coding change: c.1463G>A on transcript NM_001846.4 (MANE Select); coding-DNA position 1463, G replaced by A.
Protein change: p.Gly488Asp; replaces glycine 488 with aspartic acid.
Molecular consequence: missense variant.
Genome position (GRCh38, 1-based): chr13:110,458,801, G>A. VCF-style: chr13-110458801-G-A. GRCh37 (hg19) VCF-style: chr13-111111148-G-A.
Other names: c.1463G>A (NM_001846.2); short protein forms G488D.
Identifiers: ClinVar variation 1933708 (VCV001933708.6), dbSNP rs865961716, ClinGen allele CA256312065.